The following is an entry in ClinVar:

NM_001378969.1(KCND3):c.1861C>G (p.Pro621Ala)

Gene: KCND3 (potassium voltage-gated channel subfamily D member 3; minus strand). Cytogenetic location: 1p13.2.
Variant type: single nucleotide variant.
Coding change: c.1861C>G on transcript NM_001378969.1 (MANE Select); coding-DNA position 1861, C replaced by G.
Protein change: p.Pro621Ala; replaces proline 621 with alanine.
Molecular consequence: missense variant.
Genome position (GRCh38, 1-based): chr1:111,776,184, G>C on the plus strand (C>G on the coding strand, the complement: KCND3 is on the minus strand). VCF-style: chr1-111776184-G-C. GRCh37 (hg19) VCF-style: chr1-112318806-G-C.
Other names: c.1804C>G, p.Pro602Ala (NM_001378970.1, NM_172198.3); c.1861C>G, p.Pro621Ala (NM_004980.5); short protein forms P602A, P621A.
Identifiers: ClinVar variation 1407304 (VCV001407304.10), dbSNP rs752495973, ClinGen allele CA1007332.
Genomic context (GRCh38, chr1:111,776,184, plus strand): 5'-TCGTGTTGGGGCCTGGGCTGGCAGGGGGTGGCCGACTTTCCCCCTCTGGGGTTAGCGCTG[G>C]GGGAGTGGGGATGCTGATGATGGCTGTGGTGATCTGGGATGTTTTGCAGTTTGGTCTCAG-3'
Protein context (NP_001365898.1, residues 611-631): TTAIISIPTP[Pro621Ala]ALTPEGESRP

ClinVar aggregate classification (germline): Uncertain significance. Review status: criteria provided, multiple submitters, no conflicts (2 of 4 stars). 2 submissions from 2 submitters: Uncertain significance (2). Last evaluated 2023-11-06.

Conditions:
Cardiovascular phenotype. Identifiers: MedGen CN230736.
Spinocerebellar ataxia type 19/22 (SCA19). Also called: SPINOCEREBELLAR ATAXIA 19; SPINOCEREBELLAR ATAXIA 22. Identifiers: Orphanet 98772, MedGen C1846367, MONDO:0011819, OMIM 607346.

Allele frequency attached by ClinVar (database versions not stated): gnomAD 0.00001; gnomAD exomes 0.00001; TOPMed 0.00001; ExAC 0.00002.
gnomAD v4.1: 13 of 1,614,110 alleles (0.00081%); highest among the groups gnomAD compares: Non-Finnish European, 0.0011%; no homozygotes.

Submissions (2):

Labcorp Genetics (formerly Invitae), Labcorp
Classification: Uncertain significance for Spinocerebellar ataxia type 19/22. Last evaluated: 2023-11-06. Review status: criteria provided, single submitter. Criteria: Invitae Variant Classification Sherloc (09022015). Collection method: clinical testing. Allele origin: germline.
Comment: This sequence change replaces proline, which is neutral and non-polar, with alanine, which is neutral and non-polar, at codon 621 of the KCND3 protein (p.Pro621Ala). This variant is present in population databases (rs752495973, gnomAD 0.0009%). This variant has not been reported in the literature in individuals affected with KCND3-related conditions. ClinVar contains an entry for this variant (Variation ID: 1407304). An algorithm developed to predict the effect of missense changes on protein structure and function (PolyPhen-2) suggests that this variant is likely to be disruptive. In summary, the available evidence is currently insufficient to determine the role of this variant in disease. Therefore, it has been classified as a Variant of Uncertain Significance.

Ambry Genetics
Classification: Uncertain significance for Cardiovascular phenotype. Last evaluated: 2020-06-29. Review status: criteria provided, single submitter. Criteria: Ambry Variant Classification Scheme 2023. Collection method: clinical testing. Allele origin: germline.
Comment: The p.P621A variant (also known as c.1861C>G), located in coding exon 7 of the KCND3 gene, results from a C to G substitution at nucleotide position 1861. The proline at codon 621 is replaced by alanine, an amino acid with highly similar properties. This amino acid position is highly conserved in available vertebrate species. In addition, the in silico prediction for this alteration is inconclusive. Since supporting evidence is limited at this time, the clinical significance of this alteration remains unclear.